The following is an entry in ClinVar:

NM_001355436.2(SPTB):c.4479G>A (p.Trp1493Ter)

Gene: SPTB (spectrin beta, erythrocytic; minus strand). Cytogenetic location: 14q23.3.
Variant type: single nucleotide variant.
Coding change: c.4479G>A on transcript NM_001355436.2 (MANE Select); coding-DNA position 4479, G replaced by A.
Protein change: p.Trp1493Ter; replaces tryptophan 1493 with a stop codon.
Molecular consequence: nonsense.
Genome position (GRCh38, 1-based): chr14:64,779,241, C>T on the plus strand (G>A on the coding strand, the complement: SPTB is on the minus strand). VCF-style: chr14-64779241-C-T. GRCh37 (hg19) VCF-style: chr14-65245959-C-T.
Other names: c.4479G>A, p.Trp1493Ter (NM_001024858.4, NM_001355437.2); short protein forms W1493*.
Identifiers: ClinVar variation 2082686 (VCV002082686.5), dbSNP rs2503087933, ClinGen allele CA390044172.

ClinVar aggregate classification (germline): Pathogenic/Likely pathogenic. Review status: criteria provided, multiple submitters, no conflicts (2 of 4 stars). 2 submissions from 2 submitters: Pathogenic (1); Likely pathogenic (1). Last evaluated 2024-10-21.

Submissions (2):

Revvity Omics, Revvity
Classification: Likely pathogenic. Last evaluated: 2024-10-21. Review status: criteria provided, single submitter. Criteria: ACMG Guidelines, 2015. Collection method: clinical testing. Allele origin: germline.

Labcorp Genetics (formerly Invitae), Labcorp
Classification: Pathogenic. Last evaluated: 2024-07-30. Review status: criteria provided, single submitter. Criteria: Invitae Variant Classification Sherloc (09022015). Collection method: clinical testing. Allele origin: germline.
Comment: This sequence change creates a premature translational stop signal (p.Trp1493*) in the SPTB gene. It is expected to result in an absent or disrupted protein product. Loss-of-function variants in SPTB are known to be pathogenic (PMID: 1391962, 1498324, 8844207, 26830532, 27292444). This variant is not present in population databases (gnomAD no frequency). This variant has not been reported in the literature in individuals affected with SPTB-related conditions. ClinVar contains an entry for this variant (Variation ID: 2082686). For these reasons, this variant has been classified as Pathogenic.

Literature cited by the submitters: PubMed 1391962 (cited by Labcorp Genetics (formerly Invitae), Labcorp); PubMed 1498324 (cited by Labcorp Genetics (formerly Invitae), Labcorp); PubMed 8844207 (cited by Labcorp Genetics (formerly Invitae), Labcorp); PubMed 26830532 (cited by Labcorp Genetics (formerly Invitae), Labcorp); PubMed 27292444 (cited by Labcorp Genetics (formerly Invitae), Labcorp).